The following is an entry in ClinVar:

NM_000760.4(CSF3R):c.693G>T (p.Met231Ile)

Gene: CSF3R (colony stimulating factor 3 receptor; minus strand). Cytogenetic location: 1p34.3.
Variant type: single nucleotide variant.
Coding change: c.693G>T on transcript NM_000760.4 (MANE Select); coding-DNA position 693, G replaced by T.
Protein change: p.Met231Ile; replaces methionine 231 with isoleucine.
Molecular consequence: missense variant.
Genome position (GRCh38, 1-based): chr1:36,472,667, C>A on the plus strand (G>T on the coding strand, the complement: CSF3R is on the minus strand). VCF-style: chr1-36472667-C-A. GRCh37 (hg19) VCF-style: chr1-36938268-C-A.
Other names: c.693G>T, p.Met231Ile (NM_156039.3, NM_172313.3); short protein forms M231I.
Identifiers: ClinVar variation 958908 (VCV000958908.9), dbSNP rs1468169521, ClinGen allele CA339423272.
Genomic context (GRCh38, chr1:36,472,667, plus strand): 5'-CAGCTGTAGGCAGCCTGCCTGGGGAGGGGCCGCTTCAGGGCTGGGGTCCATGGTCCGCAG[C>A]ATGGGGGGCTCCAGTTTCACTGCAAGGAGTGGGGCTGTCAGAAGGTCTCCCTATCCCACC-3'
Protein context (NP_000751.1, residues 221-241): PMDVVKLEPP[Met231Ile]LRTMDPSPEA

ClinVar aggregate classification (germline): Uncertain significance (1 of 4 stars; one submission).

Conditions:
Autosomal recessive severe congenital neutropenia due to CSF3R deficiency. Also called: Neutropenia, severe congenital, 7, autosomal recessive. Identifiers: Orphanet 420702, MedGen C4310764, MONDO:0014865, OMIM 617014.

Submission:

Labcorp Genetics (formerly Invitae), Labcorp
Classification: Uncertain significance for Autosomal recessive severe congenital neutropenia due to CSF3R deficiency. Last evaluated: 2019-09-20. Review status: criteria provided, single submitter. Criteria: Invitae Variant Classification Sherloc (09022015). Collection method: clinical testing. Allele origin: germline.
Comment: In summary, the available evidence is currently insufficient to determine the role of this variant in disease. Therefore, it has been classified as a Variant of Uncertain Significance. Algorithms developed to predict the effect of missense changes on protein structure and function output the following: SIFT: "Tolerated"; PolyPhen-2: "Benign"; Align-GVGD: "Class C0". The isoleucine amino acid residue is found in multiple mammalian species, suggesting that this missense change does not adversely affect protein function. These predictions have not been confirmed by published functional studies and their clinical significance is uncertain. This variant has not been reported in the literature in individuals with CSF3R-related conditions. This variant is not present in population databases (ExAC no frequency). This sequence change replaces methionine with isoleucine at codon 231 of the CSF3R protein (p.Met231Ile). The methionine residue is weakly conserved and there is a small physicochemical difference between methionine and isoleucine.